The following is an entry in ClinVar:

ClinVar aggregate classification (germline): Pathogenic (1 of 4 stars; one submission).

Conditions:
Neurofibromatosis, type 1 (NF1). Also called: VON RECKLINGHAUSEN DISEASE; NEUROFIBROMATOSIS, TYPE I, SOMATIC; Peripheral type neurofibromatosis; Neurofibromatosis, type I. Identifiers: Orphanet 636, MedGen C0027831, MONDO:0018975, OMIM 162200. Disease mechanism: loss of function.

Submission:

Labcorp Genetics (formerly Invitae), Labcorp
Classification: Pathogenic for Neurofibromatosis, type 1. Last evaluated: 2018-01-11. Review status: criteria provided, single submitter. Criteria: Invitae Variant Classification Sherloc (09022015). Collection method: clinical testing. Allele origin: germline.
Comment: This variant is an out-of-frame deletion of the genomic region encompassing exon 39 of the NF1 gene. This is expected to create a premature translational stop signal and result in an absent or disrupted protein product. Deletion of exon 39 has not been reported in the literature in individuals with NF1-related disease. Loss-of-function variants in NF1 are known to be pathogenic (PMID: 10712197, 23913538). For these reasons, this variant has been classified as Pathogenic.

NC_000017.11:g.(?_31334832)_(31335037_?)del

Gene: NF1 (neurofibromin 1; plus strand). Cytogenetic location: 17q11.2.
Variant type: Deletion.
Identifiers: ClinVar variation 527681 (VCV000527681.1).